The following is an entry in ClinVar:

NM_005120.3(MED12):c.397-12A>T

Gene: MED12 (mediator complex subunit 12; plus strand). Cytogenetic location: Xq13.1.
Variant type: single nucleotide variant.
Coding change: c.397-12A>T on transcript NM_005120.3 (MANE Select); 12 bases into the intron before coding-DNA position 397, A replaced by T.
Molecular consequence: intron variant.
Genome position (GRCh38, 1-based): chrX:71,120,002, A>T. VCF-style: chrX-71120002-A-T. GRCh37 (hg19) VCF-style: chrX-70339852-A-T.
Identifiers: ClinVar variation 213617 (VCV000213617.10), dbSNP rs192515277, ClinGen allele CA324140.

ClinVar aggregate classification (germline): Benign/Likely benign. Review status: criteria provided, multiple submitters, no conflicts (2 of 4 stars). 3 submissions from 3 submitters: Benign (2); Likely benign (1). Last evaluated 2026-02-03.

Conditions:
FG syndrome (FGS). Identifiers: MedGen C0220769, MONDO:0002010.

Allele frequency attached by ClinVar (database versions not stated): gnomAD exomes 0.00016 and 0.00091; gnomAD 0.00036 and 0.00048; TOPMed 0.00052; ExAC 0.00086; 1000 Genomes Project 0.00265; 1000 Genomes Project 30x 0.00291.
gnomAD v4.1: 285 of 1,209,948 alleles (0.024%); highest among the groups gnomAD compares: East Asian, 0.62%; 1 homozygote.

Submissions (3):

Labcorp Genetics (formerly Invitae), Labcorp
Classification: Benign for FG syndrome. Last evaluated: 2026-02-03. Review status: criteria provided, single submitter. Criteria: Invitae Variant Classification Sherloc (09022015). Collection method: clinical testing. Allele origin: germline.

Blueprint Genetics
Classification: Likely benign. Last evaluated: 2024-11-11. Review status: criteria provided, single submitter. Criteria: ACMG Guidelines, 2015. Collection method: clinical testing. Allele origin: germline.

GeneDx
Classification: Benign. Last evaluated: 2014-07-08. Review status: criteria provided, single submitter. Criteria: GeneDx Variant Classification (06012015). Collection method: clinical testing. Allele origin: germline. Affected: yes.
Comment: This variant is considered likely benign or benign based on one or more of the following criteria: it is a conservative change, it occurs at a poorly conserved position in the protein, it is predicted to be benign by multiple in silico algorithms, and/or has population frequency not consistent with disease.